The following is an entry in ClinVar:

ClinVar aggregate classification (germline): Uncertain significance (1 of 4 stars; one submission).

Submission:

Ambry Genetics
Classification: Uncertain significance. Last evaluated: 2025-09-26. Review status: criteria provided, single submitter. Criteria: Ambry Variant Classification Scheme 2023. Collection method: clinical testing. Allele origin: germline.
Comment: The p.A911G variant (also known as c.2732C>G), located in coding exon 1 of the TET2 gene, results from a C to G substitution at nucleotide position 2732. The alanine at codon 911 is replaced by glycine, an amino acid with similar properties. This amino acid position is conserved. In addition, this alteration is predicted to be tolerated by in silico analysis. Based on the available evidence, the clinical significance of this variant remains unclear.

NM_001127208.3(TET2):c.2732C>G (p.Ala911Gly)

Genes: TET2 (tet methylcytosine dioxygenase 2; plus strand), TET2-AS1 (TET2 antisense RNA 1; minus strand). Cytogenetic location: 4q24.
Variant type: single nucleotide variant.
Coding change: c.2732C>G on transcript NM_001127208.3 (MANE Select); coding-DNA position 2732, C replaced by G.
Protein change: p.Ala911Gly; replaces alanine 911 with glycine.
Molecular consequence: missense variant.
Genome position (GRCh38, 1-based): chr4:105,236,674, C>G. VCF-style: chr4-105236674-C-G. GRCh37 (hg19) VCF-style: chr4-106157831-C-G.
Other names: c.2732C>G, p.Ala911Gly (NM_017628.4); short protein forms A911G.
Identifiers: ClinVar variation 4594127 (VCV004594127.1).